The following is an entry in ClinVar:

NM_006078.5(CACNG2):c.443G>A (p.Ser148Asn)

Gene: CACNG2 (calcium voltage-gated channel auxiliary subunit gamma 2; minus strand). Cytogenetic location: 22q12.3.
Variant type: single nucleotide variant.
Coding change: c.443G>A on transcript NM_006078.5 (MANE Select); coding-DNA position 443, G replaced by A.
Protein change: p.Ser148Asn; replaces serine 148 with asparagine.
Molecular consequence: missense variant. On other transcripts: non-coding transcript variant (1).
Genome position (GRCh38, 1-based): chr22:36,564,880, C>T on the plus strand (G>A on the coding strand, the complement: CACNG2 is on the minus strand). VCF-style: chr22-36564880-C-T. GRCh37 (hg19) VCF-style: chr22-36960927-C-T.
Other names: c.374G>A, p.Ser125Asn (NM_001379051.1); short protein forms S125N, S148N.
Identifiers: ClinVar variation 4883784 (VCV004883784.2).

ClinVar aggregate classification (germline): Uncertain significance (1 of 4 stars; one submission).

Conditions:
Intellectual developmental disorder, autosomal dominant 10. Also called: Intellectual disability, autosomal dominant 10. Identifiers: MedGen C3280284, MONDO:0013657, OMIM 614256.

gnomAD v4.1: 3 of 1,612,524 alleles (0.00019%); highest among the groups gnomAD compares: Admixed American, 0.0017%; no homozygotes.

Submission:

Dasa
Classification: Uncertain significance for Intellectual developmental disorder, autosomal dominant 10. Last evaluated: 2026-01-27. Review status: criteria provided, single submitter. Criteria: DASA Assertion Criteria. Collection method: clinical testing. Allele origin: germline.
Comment: NM_006078.5(CACNG2):c.443G>A (p.Ser148Asn) is a missense variant that results in the substitution of serine with asparagine. This variant is rare in population databases. Computational prediction algorithms are consistent with a deleterious effect. The currently available literature and clinical evidence are not sufficient to establish a definitive association between this variant and the reported condition. Therefore, this variant is classified as a variant of uncertain significance.